The following is an entry in ClinVar:

NM_000059.4(BRCA2):c.2898T>C (p.Thr966=)

Gene: BRCA2 (BRCA2 DNA repair associated; plus strand). Cytogenetic location: 13q13.1.
Variant type: single nucleotide variant.
Coding change: c.2898T>C on transcript NM_000059.4 (MANE Select); coding-DNA position 2898, T replaced by C.
Protein change: p.Thr966=; no amino-acid change (threonine 966 retained).
Molecular consequence: synonymous variant.
Genome position (GRCh38, 1-based): chr13:32,337,253, T>C. VCF-style: chr13-32337253-T-C. GRCh37 (hg19) VCF-style: chr13-32911390-T-C.
Identifiers: ClinVar variation 185688 (VCV000185688.12), dbSNP rs786202376, ClinGen allele CA016699.

ClinVar aggregate classification (germline): Likely benign. Review status: reviewed by expert panel (3 of 4 stars). 3 submissions from 3 submitters: Likely benign (1). 2 of the submissions do not count toward it. Last evaluated 2017-06-29.

Conditions:
Hereditary breast ovarian cancer syndrome. Also called: Hereditary breast and ovarian cancer; Hereditary breast and ovarian cancer syndrome; Breast and ovarian cancer; Hereditary breast and ovarian cancer syndrome (HBOC); Hereditary breast and/or ovarian cancer syndrome; BRCA1- and BRCA2-Associated Hereditary Breast and Ovarian Cancer. Identifiers: Orphanet 145, MedGen C0677776, MeSH D061325, MONDO:0003582. Disease mechanism: loss of function.
Hereditary cancer-predisposing syndrome. Also called: Hereditary Cancer Syndrome; Neoplastic Syndromes, Hereditary; Tumor predisposition; Hereditary neoplastic syndrome. Identifiers: Orphanet 140162, MedGen C0027672, MeSH D009386, MONDO:0015356.
Breast-ovarian cancer, familial, susceptibility to, 2 (BROVCA2). Also called: BRCA2 Hereditary Breast and Ovarian Cancer. Identifiers: Orphanet 145, MedGen C2675520, MONDO:0012933, OMIM 612555. Disease mechanism: loss of function.

Submissions (3):

Evidence-based Network for the Interpretation of Germline Mutant Alleles (ENIGMA)
Classification: Likely benign for Breast-ovarian cancer, familial, susceptibility to, 2. Last evaluated: 2017-06-29. Review status: reviewed by expert panel. Criteria: ENIGMA BRCA1/2 Classification Criteria (2017-06-29). Collection method: curation. Allele origin: germline.
Comment: Synonymous substitution variant, with low bioinformatic likelihood to result in a splicing aberration (Splicing prior probability 0.02).

Labcorp Genetics (formerly Invitae), Labcorp
Classification: Likely benign for Hereditary breast ovarian cancer syndrome. Last evaluated: 2022-09-23. Review status: criteria provided, single submitter. Criteria: Invitae Variant Classification Sherloc (09022015). Collection method: clinical testing. Allele origin: germline. Not counted in ClinVar's aggregate classification.

Ambry Genetics
Classification: Likely benign for Hereditary cancer-predisposing syndrome. Last evaluated: 2014-07-15. Review status: criteria provided, single submitter. Criteria: Ambry Variant Classification Scheme 2023. Collection method: clinical testing. Allele origin: germline. Not counted in ClinVar's aggregate classification.